The following is an entry in ClinVar:

NM_000038.6(APC):c.5685C>G (p.Thr1895=)

Gene: APC (APC regulator of Wnt signaling pathway; plus strand). Cytogenetic location: 5q22.2.
Variant type: single nucleotide variant.
Coding change: c.5685C>G on transcript NM_000038.6 (MANE Select); coding-DNA position 5685, C replaced by G.
Protein change: p.Thr1895=; no amino-acid change (threonine 1895 retained).
Molecular consequence: synonymous variant.
Genome position (GRCh38, 1-based): chr5:112,841,279, C>G. VCF-style: chr5-112841279-C-G. GRCh37 (hg19) VCF-style: chr5-112176976-C-G.
Other names: c.5685C>G, p.Thr1895= (NM_001127510.3, NM_001354895.2); c.5631C>G, p.Thr1877= (NM_001127511.3); c.5739C>G, p.Thr1913= (NM_001354896.2); c.5715C>G, p.Thr1905= (NM_001354897.2); c.5610C>G, p.Thr1870= (NM_001354898.2); c.5601C>G, p.Thr1867= (NM_001354899.2); c.5562C>G, p.Thr1854= (NM_001354900.2); c.5508C>G, p.Thr1836= (NM_001354901.2); and 5 more.
Identifiers: ClinVar variation 184440 (VCV000184440.16), dbSNP rs148592182, ClinGen allele CA010584.

ClinVar aggregate classification (germline): Benign/Likely benign. Review status: criteria provided, multiple submitters, no conflicts (2 of 4 stars). 3 submissions from 3 submitters: Benign (1); Likely benign (2). Last evaluated 2025-03-14.

Conditions:
Hereditary cancer-predisposing syndrome. Also called: Hereditary neoplastic syndrome; Neoplastic Syndromes, Hereditary; Tumor predisposition; Hereditary Cancer Syndrome. Identifiers: Orphanet 140162, MedGen C0027672, MeSH D009386, MONDO:0015356.
Familial adenomatous polyposis 1 (FAP1). Also called: FAMILIAL ADENOMATOUS POLYPOSIS 1, ATTENUATED; POLYPOSIS, ADENOMATOUS INTESTINAL. Identifiers: MedGen C2713442, MONDO:0021056, OMIM 175100. Disease mechanism: loss of function.

Allele frequency attached by ClinVar (database versions not stated): TOPMed below 0.00001; gnomAD 0.00001; ESP Exome Variant Server 0.00008.
gnomAD v4.1: 3 of 1,613,550 alleles (0.00019%); highest among the groups gnomAD compares: African/African-American, 0.0027%; no homozygotes.

Submissions (3):

Labcorp Genetics (formerly Invitae), Labcorp
Classification: Likely benign for Familial adenomatous polyposis 1. Last evaluated: 2025-03-14. Review status: criteria provided, single submitter. Criteria: Invitae Variant Classification Sherloc (09022015). Collection method: clinical testing. Allele origin: germline.

Myriad Genetics, Inc.
Classification: Benign for Familial adenomatous polyposis 1. Last evaluated: 2024-04-02. Review status: criteria provided, single submitter. Criteria: Myriad Autosomal Dominant, Autosomal Recessive and X-Linked Classification Criteria (2023). Collection method: clinical testing. Allele origin: unknown.
Comment: This variant is considered benign. This variant is a silent/synonymous amino acid change and it is not expected to impact splicing.

Ambry Genetics
Classification: Likely benign for Hereditary cancer-predisposing syndrome. Last evaluated: 2018-05-04. Review status: criteria provided, single submitter. Criteria: Ambry Variant Classification Scheme 2023. Collection method: clinical testing. Allele origin: germline.